The following is an entry in ClinVar:

ClinVar aggregate classification (germline): Uncertain significance (1 of 4 stars; one submission).

Conditions:
Epidermodysplasia verruciformis. Identifiers: Orphanet 302, MedGen C0014522, MONDO:0009176.

Allele frequency attached by ClinVar (database versions not stated): gnomAD exomes below 0.00001 and 0.00001; ExAC 0.00001.

Submission:

Labcorp Genetics (formerly Invitae), Labcorp
Classification: Uncertain significance for Epidermodysplasia verruciformis. Last evaluated: 2022-09-26. Review status: criteria provided, single submitter. Criteria: Invitae Variant Classification Sherloc (09022015). Collection method: clinical testing. Allele origin: germline.
Comment: Advanced modeling of protein sequence and biophysical properties (such as structural, functional, and spatial information, amino acid conservation, physicochemical variation, residue mobility, and thermodynamic stability) performed at Invitae indicates that this missense variant is not expected to disrupt TMC8 protein function. In summary, the available evidence is currently insufficient to determine the role of this variant in disease. Therefore, it has been classified as a Variant of Uncertain Significance. ClinVar contains an entry for this variant (Variation ID: 1497688). This sequence change replaces isoleucine, which is neutral and non-polar, with threonine, which is neutral and polar, at codon 201 of the TMC8 protein (p.Ile201Thr). This variant is present in population databases (rs781390676, gnomAD 0.0009%). This variant has not been reported in the literature in individuals affected with TMC8-related conditions.

NM_152468.5(TMC8):c.602T>C (p.Ile201Thr)

Gene: TMC8 (transmembrane channel like 8; plus strand). Cytogenetic location: 17q25.3.
Variant type: single nucleotide variant.
Coding change: c.602T>C on transcript NM_152468.5 (MANE Select); coding-DNA position 602, T replaced by C.
Protein change: p.Ile201Thr; replaces isoleucine 201 with threonine.
Molecular consequence: missense variant.
Genome position (GRCh38, 1-based): chr17:78,133,476, T>C. VCF-style: chr17-78133476-T-C. GRCh37 (hg19) VCF-style: chr17-76129557-T-C.
Other names: short protein forms I201T.
Identifiers: ClinVar variation 1497688 (VCV001497688.8), dbSNP rs781390676, ClinGen allele CA8796528.